The following is an entry in ClinVar:

NM_054012.4(ASS1):c.222G>A (p.Trp74Ter)

Gene: ASS1 (argininosuccinate synthase 1; plus strand). Cytogenetic location: 9q34.11.
Variant type: single nucleotide variant.
Coding change: c.222G>A on transcript NM_054012.4 (MANE Select); coding-DNA position 222, G replaced by A.
Protein change: p.Trp74Ter; replaces tryptophan 74 with a stop codon.
Molecular consequence: nonsense.
Genome position (GRCh38, 1-based): chr9:130,458,448, G>A. VCF-style: chr9-130458448-G-A. GRCh37 (hg19) VCF-style: chr9-133333835-G-A.
Other names: c.222G>A, p.Trp74Ter (NM_000050.4); short protein forms W74*.
Identifiers: ClinVar variation 2694685 (VCV002694685.4), dbSNP rs2490531268, ClinGen allele CA375224998.

ClinVar aggregate classification (germline): Pathogenic (1 of 4 stars; one submission).

Conditions:
Citrullinemia. Identifiers: Orphanet 187, MedGen C0175683, MONDO:0015991.

Submission:

Labcorp Genetics (formerly Invitae), Labcorp
Classification: Pathogenic for Citrullinemia. Last evaluated: 2023-11-10. Review status: criteria provided, single submitter. Criteria: Invitae Variant Classification Sherloc (09022015). Collection method: clinical testing. Allele origin: germline.
Comment: This sequence change creates a premature translational stop signal (p.Trp74*) in the ASS1 gene. It is expected to result in an absent or disrupted protein product. Loss-of-function variants in ASS1 are known to be pathogenic (PMID: 18473344, 19006241). This variant is not present in population databases (gnomAD no frequency). This variant has not been reported in the literature in individuals affected with ASS1-related conditions. For these reasons, this variant has been classified as Pathogenic.

Literature cited by the submitters: PubMed 18473344; PubMed 19006241.